The following is an entry in ClinVar:

ClinVar aggregate classification (germline): Conflicting classifications of pathogenicity. Review status: criteria provided, conflicting classifications (1 of 4 stars). 5 submissions from 5 submitters: Uncertain significance (4); Likely benign (1). Last evaluated 2026-01-06.

Conditions:
Hereditary cancer-predisposing syndrome. Also called: Hereditary Cancer Syndrome; Tumor predisposition; Hereditary neoplastic syndrome; Neoplastic Syndromes, Hereditary. Identifiers: Orphanet 140162, MedGen C0027672, MeSH D009386, MONDO:0015356.
Gorlin syndrome. Also called: Nevoid Basal Cell Carcinoma Syndrome; Basal cell nevus syndrome. Identifiers: Orphanet 377, MedGen C0004779, MONDO:0007187.

Allele frequency attached by ClinVar (database versions not stated): gnomAD exomes 0.00002; ESP Exome Variant Server 0.00008; 1000 Genomes Project 30x 0.00016; TOPMed 0.00002; ExAC 0.00002; gnomAD 0.00004.
gnomAD v4.1: 21 of 1,614,046 alleles (0.0013%); highest among the groups gnomAD compares: African/African-American, 0.0053%; no homozygotes.

Submissions (5):

Labcorp Genetics (formerly Invitae), Labcorp
Classification: Likely benign for Gorlin syndrome. Last evaluated: 2026-01-06. Review status: criteria provided, single submitter. Criteria: Invitae Variant Classification Sherloc (09022015). Collection method: clinical testing. Allele origin: germline.

Dasa
Classification: Uncertain significance. Last evaluated: 2025-12-09. Review status: criteria provided, single submitter. Criteria: DASA Assertion Criteria. Collection method: clinical testing. Allele origin: germline.
Comment: NM_000264.5(PTCH1):c.2015C>T (p.Thr672Met) is a missense variant that results in the substitution of threonine with methionine. This variant is rare in population databases. Computational prediction algorithms are consistent with a deleterious effect. The currently available literature and clinical evidence are not sufficient to establish a definitive association between this variant and the reported condition. Therefore, this variant is classified as a variant of uncertain significance.

Quest Diagnostics Nichols Institute San Juan Capistrano
Classification: Uncertain significance. Last evaluated: 2024-11-19. Review status: criteria provided, single submitter. Criteria: Quest Diagnostics criteria. Collection method: clinical testing. Allele origin: unknown.
Comment: The PTCH1 c.2015C>T (p.Thr672Met) variant has been reported in the published literature in a reportedly healthy individual in a breast cancer study (PMID: 35884425 (2022)). The frequency of this variant in the general population, 0.00002 (5/251416 chromosomes (Genome Aggregation Database)), is uninformative in the assessment of its pathogenicity. Analysis of this variant using bioinformatics tools for the prediction of the effect of amino acid changes on protein structure and function yielded conflicting predictions that this variant is benign or damaging. Based on the available information, we are unable to determine the clinical significance of this variant.

Ambry Genetics
Classification: Uncertain significance for Hereditary cancer-predisposing syndrome. Last evaluated: 2024-04-03. Review status: criteria provided, single submitter. Criteria: Ambry Variant Classification Scheme 2023. Collection method: clinical testing. Allele origin: germline.
Comment: The p.T672M variant (also known as c.2015C>T), located in coding exon 14 of the PTCH1 gene, results from a C to T substitution at nucleotide position 2015. The threonine at codon 672 is replaced by methionine, an amino acid with similar properties. This amino acid position is highly conserved in available vertebrate species. In addition, this alteration is predicted to be deleterious by in silico analysis. Since supporting evidence is limited at this time, the clinical significance of this alteration remains unclear.

Sema4
Classification: Uncertain significance for Hereditary cancer-predisposing syndrome. Last evaluated: 2021-08-24. Review status: criteria provided, single submitter. Criteria: Sema4 Curation Guidelines. Collection method: curation. Allele origin: germline.
Comment: The PTCH1 c.2015C>T (p.T672M) variant has not been reported in the literature to our knowledge. It was observed in 2/16256 chromosomes of the African/African American subpopulation in the large and broad cohorts of the Genome Aggregation Database (PMID: 32461654). The variant has been reported in ClinVar (Variation ID: 453807). In silico tools suggest the impact of the variant on protein function is deleterious, though these predictions have not been confirmed by functional studies. The evidence is insufficient to meet ACMG/AMP criteria for classifying the variant as benign or pathogenic. Thus, the clinical significance of this variant is currently uncertain.

Literature cited by the submitters: PubMed 35884425 (cited by Quest Diagnostics Nichols Institute San Juan Capistrano).

NM_000264.5(PTCH1):c.2015C>T (p.Thr672Met)

Genes: PTCH1 (patched 1; minus strand), LOC100507346 (uncharacterized LOC100507346; plus strand). Cytogenetic location: 9q22.32.
Variant type: single nucleotide variant.
Coding change: c.2015C>T on transcript NM_000264.5 (MANE Select); coding-DNA position 2015, C replaced by T.
Protein change: p.Thr672Met; replaces threonine 672 with methionine.
Molecular consequence: missense variant. On other transcripts: non-coding transcript variant (2).
Genome position (GRCh38, 1-based): chr9:95,468,986, G>A on the plus strand (C>T on the coding strand, the complement: PTCH1 is on the minus strand). VCF-style: chr9-95468986-G-A. GRCh37 (hg19) VCF-style: chr9-98231268-G-A.
Other names: c.1817C>T, p.Thr606Met (NM_001083602.3); c.2012C>T, p.Thr671Met (NM_001083603.3); c.1562C>T, p.Thr521Met (NM_001083604.3, NM_001083605.3, NM_001083606.3 and 1 more transcripts); c.1859C>T, p.Thr620Met (NM_001354918.2); c.2015C>T (NM_000264.4); short protein forms T606M, T672M, T671M, T521M, T620M.
Identifiers: ClinVar variation 453807 (VCV000453807.15), dbSNP rs372219420, ClinGen allele CA5138463.